The following is an entry in ClinVar:

ClinVar aggregate classification (germline): Uncertain significance. Review status: criteria provided, multiple submitters, no conflicts (2 of 4 stars). 2 submissions from 2 submitters: Uncertain significance (2). Last evaluated 2025-06-04.

Conditions:
Multiple congenital exostosis (EXT). Also called: Multiple osteochondromas; MULTIPLE CARTILAGINOUS EXOSTOSES; Hereditary multiple osteochondromas; Multiple exostoses; Hereditary multiple exostoses; Hereditary multiple exostosis. Identifiers: Orphanet 321, MedGen C0015306, MONDO:0005508, HP:0002762.
Chondrosarcoma. Also called: Chondrosarcoma, somatic. Identifiers: Orphanet 55880, MedGen C0008479, MONDO:0008977, OMIM 215300, HP:0006765.

Allele frequency attached by ClinVar (database versions not stated): gnomAD exomes below 0.00001; ExAC 0.00001; gnomAD 0.00004; TOPMed 0.00004; 1000 Genomes Project 0.00020; 1000 Genomes Project 30x 0.00031.
gnomAD v4.1: 8 of 1,613,564 alleles (0.0005%); highest among the groups gnomAD compares: Admixed American, 0.01%; no homozygotes.

Submissions (2):

Labcorp Genetics (formerly Invitae), Labcorp
Classification: Uncertain significance for Multiple congenital exostosis. Last evaluated: 2025-06-04. Review status: criteria provided, single submitter. Criteria: Invitae Variant Classification Sherloc (09022015). Collection method: clinical testing. Allele origin: germline.
Comment: This sequence change replaces glutamine, which is neutral and polar, with arginine, which is basic and polar, at codon 84 of the EXT1 protein (p.Gln84Arg). This variant is present in population databases (rs201918002, gnomAD 0.003%). This variant has not been reported in the literature in individuals affected with EXT1-related conditions. ClinVar contains an entry for this variant (Variation ID: 2200124). Invitae Evidence Modeling of protein sequence and biophysical properties (such as structural, functional, and spatial information, amino acid conservation, physicochemical variation, residue mobility, and thermodynamic stability) indicates that this missense variant is not expected to disrupt EXT1 protein function with a negative predictive value of 80%. In summary, the available evidence is currently insufficient to determine the role of this variant in disease. Therefore, it has been classified as a Variant of Uncertain Significance.

Baylor Genetics
Classification: Uncertain significance for Chondrosarcoma. Last evaluated: 2023-09-06. Review status: criteria provided, single submitter. Criteria: ACMG Guidelines, 2015. Collection method: clinical testing. Allele origin: unknown.

NM_000127.3(EXT1):c.251A>G (p.Gln84Arg)

Gene: EXT1 (exostosin glycosyltransferase 1; minus strand). Cytogenetic location: 8q24.11.
Variant type: single nucleotide variant.
Coding change: c.251A>G on transcript NM_000127.3 (MANE Select); coding-DNA position 251, A replaced by G.
Protein change: p.Gln84Arg; replaces glutamine 84 with arginine.
Molecular consequence: missense variant.
Genome position (GRCh38, 1-based): chr8:118,110,796, T>C on the plus strand (A>G on the coding strand, the complement: EXT1 is on the minus strand). VCF-style: chr8-118110796-T-C. GRCh37 (hg19) VCF-style: chr8-119123035-T-C.
Other names: short protein forms Q84R.
Identifiers: ClinVar variation 2200124 (VCV002200124.5), dbSNP rs201918002, ClinGen allele CA4854387.